The following is an entry in ClinVar:

NM_001267550.2(TTN):c.62732G>A (p.Trp20911Ter)

Genes: TTN (titin; minus strand), TTN-AS1 (TTN antisense RNA 1; plus strand). Cytogenetic location: 2q31.2.
Variant type: single nucleotide variant.
Coding change: c.62732G>A on transcript NM_001267550.2 (MANE Select); coding-DNA position 62732, G replaced by A.
Protein change: p.Trp20911Ter; replaces tryptophan 20911 with a stop codon.
Molecular consequence: nonsense.
Genome position (GRCh38, 1-based): chr2:178,588,993, C>T on the plus strand (G>A on the coding strand, the complement: TTN is on the minus strand). VCF-style: chr2-178588993-C-T. GRCh37 (hg19) VCF-style: chr2-179453720-C-T.
Other names: p.Trp19270*; c.57809G>A, p.Trp19270Ter (NM_001256850.1); c.35537G>A, p.Trp11846Ter (NM_003319.4); c.55028G>A, p.Trp18343Ter (NM_133378.4); c.35912G>A, p.Trp11971Ter (NM_133432.3); c.36113G>A, p.Trp12038Ter (NM_133437.4); short protein forms W12038*, W20911*, W11846*, W11971*, W18343*, W19270*.
Identifiers: ClinVar variation 4540727 (VCV004540727.2).
Genomic context (GRCh38, chr2:178,588,993, plus strand): 5'-CCTTCTATGAGACGTGTTACTGTAGTACCAGGTGTCAAGACAGTAGCAGAATAGGTAGAC[C>T]AAACCATTCGCTTTGTCTCACATTTTTCTAGAATATAATTTTGGATTTCACAGCCACCAT-3'

ClinVar aggregate classification (germline): Pathogenic/Likely pathogenic. Review status: criteria provided, multiple submitters, no conflicts (2 of 4 stars). 2 submissions from 2 submitters: Pathogenic (1); Likely pathogenic (1). Last evaluated 2025-12-08.

Conditions:
Dilated cardiomyopathy 1G (CMD1G). Identifiers: Orphanet 154, MedGen C1858763, MONDO:0011400, OMIM 604145.
Autosomal recessive limb-girdle muscular dystrophy type 2J (LGMDR10). Also called: Limb-girdle muscular dystrophy, type 2J; MUSCULAR DYSTROPHY, LIMB-GIRDLE, AUTOSOMAL RECESSIVE 10. Identifiers: Orphanet 140922, MedGen C1837342, MONDO:0012127, OMIM 608807.

Submissions (2):

Labcorp Genetics (formerly Invitae), Labcorp
Classification: Likely pathogenic for Dilated cardiomyopathy 1G; Autosomal recessive limb-girdle muscular dystrophy type 2J. Last evaluated: 2025-12-08. Review status: criteria provided, single submitter. Criteria: Invitae Variant Classification Sherloc (09022015). Collection method: clinical testing. Allele origin: germline.
Comment: This sequence change creates a premature translational stop signal (p.Trp20911*) in the TTN gene. While this is not anticipated to result in nonsense mediated decay, it is expected to create a truncated TTN protein. This variant is not present in population databases (gnomAD no frequency). This premature translational stop signal has been observed in individual(s) with dilated cardiomyopathy (PMID: 26084686). This variant is located in the A band of TTN (PMID: 25589632). Truncating variants in this region are significantly overrepresented in patients affected with dilated cardiomyopathy (PMID: 25589632). Truncating variants in this region have also been reported in individuals affected with autosomal recessive centronuclear myopathy (PMID: 23975875). In summary, the currently available evidence indicates that the variant is pathogenic, but additional data are needed to prove that conclusively. Therefore, this variant has been classified as Likely Pathogenic.

Mayo Clinic Laboratories, Mayo Clinic
Classification: Pathogenic. Last evaluated: 2025-08-28. Review status: criteria provided, single submitter. Criteria: ACMG Guidelines, 2015. Collection method: clinical testing. Allele origin: germline. Observed: 2 variant alleles.
Comment: PM2_supporting, PS1_moderate, PVS1

Literature cited by the submitters: PubMed 26084686 (cited by Labcorp Genetics (formerly Invitae), Labcorp and Mayo Clinic Laboratories, Mayo Clinic); PubMed 25589632 (cited by Labcorp Genetics (formerly Invitae), Labcorp); PubMed 23975875 (cited by Labcorp Genetics (formerly Invitae), Labcorp).